The following is an entry in ClinVar:

ClinVar aggregate classification (germline): Uncertain significance (1 of 4 stars; one submission).

Conditions:
Cardiovascular phenotype. Identifiers: MedGen CN230736.
Hereditary cancer-predisposing syndrome. Also called: Neoplastic Syndromes, Hereditary; Tumor predisposition; Hereditary Cancer Syndrome; Hereditary neoplastic syndrome. Identifiers: Orphanet 140162, MedGen C0027672, MeSH D009386, MONDO:0015356.

Submission:

Ambry Genetics
Classification: Uncertain significance for Cardiovascular phenotype; Hereditary cancer-predisposing syndrome. Last evaluated: 2026-04-05. Review status: criteria provided, single submitter. Criteria: Ambry Variant Classification Scheme 2023. Collection method: clinical testing. Allele origin: germline.
Comment: The p.Q2568R variant (also known as c.7703A>G), located in coding exon 52 of the NF1 gene, results from an A to G substitution at nucleotide position 7703. The glutamine at codon 2568 is replaced by arginine, an amino acid with highly similar properties. This amino acid position is conserved. In addition, this alteration is predicted to be tolerated by in silico analysis. Based on the available evidence, the clinical significance of this variant remains unclear.

NM_001042492.3(NF1):c.7766A>G (p.Gln2589Arg)

Gene: NF1 (neurofibromin 1; plus strand). Cytogenetic location: 17q11.2.
Variant type: single nucleotide variant.
Coding change: c.7766A>G on transcript NM_001042492.3 (MANE Select); coding-DNA position 7766, A replaced by G.
Protein change: p.Gln2589Arg; replaces glutamine 2589 with arginine.
Molecular consequence: missense variant.
Genome position (GRCh38, 1-based): chr17:31,356,987, A>G. VCF-style: chr17-31356987-A-G. GRCh37 (hg19) VCF-style: chr17-29684005-A-G.
Other names: c.7703A>G, p.Gln2568Arg (NM_000267.4); short protein forms Q2568R, Q2589R.
Identifiers: ClinVar variation 4860905 (VCV004860905.1).